The following is an entry in ClinVar:

NM_006922.4(SCN3A):c.603-115G>A

Gene: SCN3A (sodium voltage-gated channel alpha subunit 3; minus strand). Cytogenetic location: 2q24.3.
Variant type: single nucleotide variant.
Coding change: c.603-115G>A on transcript NM_006922.4 (MANE Select); 115 bases into the intron before coding-DNA position 603, G replaced by A.
Molecular consequence: intron variant. On other transcripts: synonymous variant (1).
Genome position (GRCh38, 1-based): chr2:165,163,824, C>T on the plus strand (G>A on the coding strand, the complement: SCN3A is on the minus strand). VCF-style: chr2-165163824-C-T. GRCh37 (hg19) VCF-style: chr2-166020334-C-T.
Other names: c.672G>A, p.Leu224= (NM_001081677.2); c.603-115G>A (NM_001081676.2).
Identifiers: ClinVar variation 2571092 (VCV002571092.28), dbSNP rs369716569, ClinGen allele CA1939388.
Genomic context (GRCh38, chr2:165,163,824, plus strand): 5'-TATAAGGGGCCTACTACCTTACACCAGTTTCTTCTTACCTGGAATTACAGAAATAGTTTT[C>T]AGAGCTCTCAAGACTCTGAAAGTTCGAAGGGCTGAAACATTGCCTAGGCTTACAAATTCT-3'

ClinVar aggregate classification (germline): Likely benign. Review status: criteria provided, multiple submitters, no conflicts (2 of 4 stars). 2 submissions from 2 submitters: Likely benign (2). Last evaluated 2023-08-11.

Allele frequency attached by ClinVar (database versions not stated): gnomAD 0.00005; ExAC 0.00006; TOPMed 0.00006; ESP Exome Variant Server 0.00008; gnomAD exomes 0.00010.
gnomAD v4.1: 149 of 1,613,728 alleles (0.0092%); highest among the groups gnomAD compares: Non-Finnish European, 0.012%; no homozygotes.

Submissions (2):

Blueprint Genetics
Classification: Likely benign. Last evaluated: 2023-08-11. Review status: criteria provided, single submitter. Criteria: ACMG Guidelines, 2015. Collection method: clinical testing. Allele origin: germline.

CeGaT Center for Human Genetics Tuebingen
Classification: Likely benign. Last evaluated: 2023-06-01. Review status: criteria provided, single submitter. Criteria: CeGaT Center For Human Genetics Tuebingen Variant Classification Criteria Version 2. Collection method: clinical testing. Allele origin: germline. Affected: yes. Observed: 1 variant allele.
Comment: SCN3A: BP4